The following is an entry in ClinVar:

ClinVar aggregate classification (germline): Uncertain significance (1 of 4 stars; one submission).

Conditions:
Cohen syndrome (COH1). Also called: PEPPER SYNDROME; Cutis verticis gyrata, retinitis pigmentosa, and sensorineural deafness. Identifiers: Orphanet 193, MedGen C0265223, MONDO:0008999, OMIM 216550.

Allele frequency attached by ClinVar (database versions not stated): gnomAD exomes below 0.00001.
gnomAD v4.1: 4 of 1,614,228 alleles (0.00025%); highest among the groups gnomAD compares: South Asian, 0.0033%; no homozygotes.

Submission:

Labcorp Genetics (formerly Invitae), Labcorp
Classification: Uncertain significance for Cohen syndrome. Last evaluated: 2022-01-15. Review status: criteria provided, single submitter. Criteria: Invitae Variant Classification Sherloc (09022015). Collection method: clinical testing. Allele origin: germline.
Comment: This sequence change replaces glutamic acid with glutamine at codon 3883 of the VPS13B protein (p.Glu3883Gln). The glutamic acid residue is moderately conserved and there is a small physicochemical difference between glutamic acid and glutamine. This variant is present in population databases (no rsID available, gnomAD 0.003%). This variant has not been reported in the literature in individuals affected with VPS13B-related conditions. Algorithms developed to predict the effect of missense changes on protein structure and function are either unavailable or do not agree on the potential impact of this missense change (SIFT: "Not Available"; PolyPhen-2: "Benign"; Align-GVGD: "Not Available"). In summary, the available evidence is currently insufficient to determine the role of this variant in disease. Therefore, it has been classified as a Variant of Uncertain Significance.

NM_152564.5(VPS13B):c.11572G>C (p.Glu3858Gln)

Gene: VPS13B (vacuolar protein sorting 13 homolog B; plus strand). Cytogenetic location: 8q22.2.
Variant type: single nucleotide variant.
Coding change: c.11572G>C on transcript NM_152564.5 (MANE Select); coding-DNA position 11572, G replaced by C.
Protein change: p.Glu3858Gln; replaces glutamic acid 3858 with glutamine.
Molecular consequence: missense variant.
Genome position (GRCh38, 1-based): chr8:99,871,524, G>C. VCF-style: chr8-99871524-G-C. GRCh37 (hg19) VCF-style: chr8-100883752-G-C.
Other names: c.11647G>C, p.Glu3883Gln (NM_017890.5); short protein forms E3883Q, E3858Q.
Identifiers: ClinVar variation 1368912 (VCV001368912.5), dbSNP rs910829293, ClinGen allele CA371794243.